The following is an entry in ClinVar:

NM_002471.4(MYH6):c.5796G>T (p.Lys1932Asn)

Gene: MYH6 (myosin heavy chain 6; minus strand). Cytogenetic location: 14q11.2.
Variant type: single nucleotide variant.
Coding change: c.5796G>T on transcript NM_002471.4 (MANE Select); coding-DNA position 5796, G replaced by T.
Protein change: p.Lys1932Asn; replaces lysine 1932 with asparagine.
Molecular consequence: missense variant.
Genome position (GRCh38, 1-based): chr14:23,382,428, C>A on the plus strand (G>T on the coding strand, the complement: MYH6 is on the minus strand). VCF-style: chr14-23382428-C-A. GRCh37 (hg19) VCF-style: chr14-23851637-C-A.
Other names: short protein forms K1932N.
Identifiers: ClinVar variation 5005301 (VCV005005301.2).
Genomic context (GRCh38, chr14:23,382,428, plus strand): 5'-CCCATATCAGGGGGCATGCTAATGTGGAAGTGACTAGTGAAGCCCAGGGGAGGGACCCAC[C>A]TTGGCACCAATGTCACGGCTCTTGGCTCGAAGCTTGTTGACCTGGGACTCAGCGATGTCC-3'
Protein context (NP_002462.2, residues 1922-1939): LRAKSRDIGA[Lys1932Asn]QKMHDEE

ClinVar aggregate classification (germline): Uncertain significance (1 of 4 stars; one submission).

Conditions:
Hypertrophic cardiomyopathy 14. Identifiers: MedGen C2750467, MONDO:0013197, OMIM 613251.
Dilated cardiomyopathy 1EE (CMD1EE). Identifiers: Orphanet 154, MedGen C2750466, MONDO:0013198, OMIM 613252.
Atrial septal defect 3 (ASD3). Identifiers: Orphanet 1478, MedGen C3279790, MONDO:0013567, OMIM 614089.
Sick sinus syndrome 3, susceptibility to (SSS3). Identifiers: Orphanet 166282, MedGen C3279791, MONDO:0013568, OMIM 614090.

Submission:

Juno Genomics, Hangzhou Juno Genomics, Inc
Classification: Uncertain significance for Sick sinus syndrome 3, susceptibility to; Atrial septal defect 3; Dilated cardiomyopathy 1EE; Hypertrophic cardiomyopathy 14. Review status: criteria provided, single submitter. Criteria: ACMG Guidelines, 2015. Collection method: clinical testing. Allele origin: germline.
Comment: Missense variant in a gene that has a low rate of benign missense variation.;Multiple lines of computational evidence support a deleterious effect on the gene or gene product.;Absent from controls (or at extremely low frequency if recessive) in Genome Aggregation Database.